The following is an entry in ClinVar:

ClinVar aggregate classification (germline): Uncertain significance. Review status: criteria provided, single submitter (1 of 4 stars). 3 submissions from 3 submitters: Uncertain significance (1). 2 of the submissions do not count toward it. Last evaluated 2025-12-29.

Allele frequency attached by ClinVar (database versions not stated): gnomAD exomes 0.00004 and 0.00005; ExAC 0.00005; gnomAD 0.00010 and 0.00011; TOPMed 0.00011; ESP Exome Variant Server 0.00015.
gnomAD v4.1: 69 of 1,613,290 alleles (0.0043%); highest among the groups gnomAD compares: Admixed American, 0.018%; no homozygotes.

Submissions (3):

Labcorp Genetics (formerly Invitae), Labcorp
Classification: Uncertain significance. Last evaluated: 2025-12-29. Review status: criteria provided, single submitter. Criteria: Invitae Variant Classification Sherloc (09022015). Collection method: clinical testing. Allele origin: germline.
Comment: This sequence change replaces glutamic acid, which is acidic and polar, with glutamine, which is neutral and polar, at codon 517 of the TCF3 protein (p.Glu517Gln). This variant is present in population databases (rs368238041, gnomAD 0.01%). This variant has not been reported in the literature in individuals affected with TCF3-related conditions. ClinVar contains an entry for this variant (Variation ID: 1174665). Invitae Evidence Modeling of protein sequence and biophysical properties (such as structural, functional, and spatial information, amino acid conservation, physicochemical variation, residue mobility, and thermodynamic stability) has been performed for this missense variant. However, the output from this modeling did not meet the statistical confidence thresholds required to predict the impact of this variant on TCF3 protein function. In summary, the available evidence is currently insufficient to determine the role of this variant in disease. Therefore, it has been classified as a Variant of Uncertain Significance.

Clinical Genetics DNA and cytogenetics Diagnostics Lab, Erasmus MC, Erasmus Medical Center
Classification: Likely benign. Review status: no assertion criteria provided. Collection method: clinical testing. Allele origin: germline. Affected: yes. Study: VKGL Data-share Consensus. Not counted in ClinVar's aggregate classification.

Diagnostic Laboratory, Department of Genetics, University Medical Center Groningen
Classification: Likely benign. Review status: no assertion criteria provided. Collection method: clinical testing. Allele origin: germline. Affected: yes. Study: VKGL Data-share Consensus. Not counted in ClinVar's aggregate classification.

NM_003200.5(TCF3):c.1549G>C (p.Glu517Gln)

Gene: TCF3 (transcription factor 3; minus strand). Cytogenetic location: 19p13.3.
Variant type: single nucleotide variant.
Coding change: c.1549G>C on transcript NM_003200.5 (MANE Select); coding-DNA position 1549, G replaced by C.
Protein change: p.Glu517Gln; replaces glutamic acid 517 with glutamine.
Molecular consequence: missense variant.
Genome position (GRCh38, 1-based): chr19:1,615,723, C>G on the plus strand (G>C on the coding strand, the complement: TCF3 is on the minus strand). VCF-style: chr19-1615723-C-G. GRCh37 (hg19) VCF-style: chr19-1615722-C-G.
Other names: c.1549G>C, p.Glu517Gln (NM_001136139.4, NM_001351779.2); c.1546G>C, p.Glu516Gln (NM_001351778.2); short protein forms E516Q, E517Q.
Identifiers: ClinVar variation 1174665 (VCV001174665.10), dbSNP rs368238041, ClinGen allele CA9049770.